The following is an entry in ClinVar:

NM_175914.5(HNF4A):c.48C>G (p.Tyr16Ter)

Gene: HNF4A (hepatocyte nuclear factor 4 alpha; plus strand). Cytogenetic location: 20q13.12.
Variant type: single nucleotide variant.
Coding change: c.48C>G on transcript NM_175914.5 (MANE Select); coding-DNA position 48, C replaced by G.
Protein change: p.Tyr16Ter; replaces tyrosine 16 with a stop codon.
Molecular consequence: nonsense. On other transcripts: 5 prime UTR variant (3).
Genome position (GRCh38, 1-based): chr20:44,355,852, C>G. VCF-style: chr20-44355852-C-G. GRCh37 (hg19) VCF-style: chr20-42984492-C-G.
Other names: NM_175914.5(HNF4A):c.48C>G; p.Tyr16Ter; c.48C>G, p.Tyr16Ter (NM_001030003.3, NM_001030004.3); c.-184C>G (NM_001287182.2, NM_001287183.2, NM_001287184.2); short protein forms Y16*.
Identifiers: ClinVar variation 1299754 (VCV001299754.2), dbSNP rs2146127862, ClinGen allele CA409109938.

ClinVar aggregate classification (germline): Pathogenic. Review status: reviewed by expert panel (3 of 4 stars). 3 submissions from 3 submitters: Pathogenic (1). 2 of the submissions do not count toward it. Last evaluated 2024-01-22.

Conditions:
Monogenic diabetes. Identifiers: Orphanet 183625, MedGen C3888631, MONDO:0015967.
Maturity-onset diabetes of the young type 1. Also called: MODY, type I; MODY type 1; Diabetes mellitus MODY type 1; MODY HNF4A related; HNF4A-Related Maturity-Onset Diabetes of the Young Type 1; MILD JUVENILE DIABETES MELLITUS. Identifiers: Orphanet 552, MedGen C1852093, MONDO:0007452, OMIM 125850. Disease mechanism: loss of function.

Submissions (3):

ClinGen Monogenic Diabetes Variant Curation Expert Panel
Classification: Pathogenic for Monogenic diabetes. Last evaluated: 2024-01-22. Review status: reviewed by expert panel. Criteria: ClinGen Diabetes ACMG Specifications HNF4A V2.0.0. Collection method: curation. Allele origin: germline. Inheritance: Autosomal dominant inheritance.
Comment: The c.48C>G variant in the hepatic nuclear factor 4-alpha gene, HNF4A, results in a premature termination at codon 16 (p.(Tyr16*)) of NM_175914.5. This variant, located in biologically-relevant exon 1 of 10, is predicted to lead to nonsense mediated decay in a gene in which loss-of-function is an established disease mechanism (PVS1; PMID: 23348805). This variant is absent from gnomAD v2.1.1 (PM2_Supporting). This variant segregated with diabetes/neonatal hyperinsulinism, with 13 informative meioses in 2 families (PP1_Strong; internal lab contributors). This variant was identified in 3 unrelated individuals with non-autoimmune and non-absolute/near-absolute insulin-deficient diabetes or diazoxide-responsive hyperinsulinemic hypoglycemia; however, PS4 cannot be applied because this number is below the ClinGen MDEP threshold (PMIDs: 20164212, 16917892, 17407387, 18268044, internal lab contributors). One of these individuals had a clinical history highly specific for HNF4A-monogenic diabetes (MODY probability calculator result >50%, negative genetic testing for HNF1A, and sulfonylurea-responsive) (PP4_Moderate; internal lab contributors). In summary, c.48C>G meets the criteria to be classified as pathogenic for monogenic diabetes. ACMG/AMP criteria applied, as specified by the ClinGen MDEP (specification version 2.0.0, approved 10/11/2023): PVS1, PP1_Strong, PP4_Moderate, PM2_Supporting.

Mendelics
Classification: Pathogenic for Maturity-onset diabetes of the young type 1. Last evaluated: 2022-05-04. Review status: criteria provided, single submitter. Criteria: Mendelics Assertion Criteria 2019. Collection method: clinical testing. Allele origin: germline. Not counted in ClinVar's aggregate classification.

Exeter Genomics Laboratory, Royal Devon University Healthcare NHS Foundation Trust
Classification: Pathogenic for Maturity-onset diabetes of the young type 1. Last evaluated: 2021-10-05. Review status: criteria provided, single submitter. Criteria: ACMG Guidelines, 2015. Collection method: clinical testing. Allele origin: inherited. Inheritance: Autosomal dominant inheritance. Affected: yes. Observed: 8 variant alleles, 8 heterozygotes. Not counted in ClinVar's aggregate classification.
Comment: The c.48C>G variant in the HNF4 homeobox A gene, HNF4A, Results in the substitution of a tyrosine amino acid to a termination codon (p.Tyr16Ter) in exon 1 of the pancreatic specific HNF4A isoform NM_175914.5. This variant is predicted to generate an mRNA with a premature termination codon that would undergo nonsense mediated decay resulting in absent protein in a gene in which loss-of-function is an established disease mechanism (PVS1_Very Strong; PMID: 23348805). This variant is absent in gnomAD v2.1.1 (PM2_Supporting), and was identified by our laboratory in an individual with clinical history highly specific for HNF4A-MODY (MODY probability calculator result >50%, negative genetic testing for HNF1A, and antibody negative) (PP4_Moderate). This variant also segregated with diabetes in this family with 7 informative meioses (PP1_Strong). In summary, c.48C>G meets the criteria to be classified as pathogenic for monogenic diabetes. ACMG/AMP criteria applied: PVS1_Very Strong, PP1_Strong, PP4_Moderate, PM2_Supporting.

Literature cited by the submitters: PubMed 18268044 (cited by Exeter Genomics Laboratory, Royal Devon University Healthcare NHS Foundation Trust); PubMed 17407387 (cited by Exeter Genomics Laboratory, Royal Devon University Healthcare NHS Foundation Trust).